The following is an entry in ClinVar:

ClinVar aggregate classification (germline): Pathogenic/Likely pathogenic. Review status: criteria provided, multiple submitters, no conflicts (2 of 4 stars). 16 submissions from 16 submitters: Pathogenic (9); Likely pathogenic (5). 2 of the submissions do not count toward it. Last evaluated 2026-01-22.

Conditions:
ATP7B-related disorder. Also called: ATP7B-related condition.
Wilson disease (WND). Also called: Wilson's disease. Identifiers: Orphanet 905, MedGen C0019202, MONDO:0010200, OMIM 277900. Disease mechanism: loss of function.

Allele frequency attached by ClinVar (database versions not stated): gnomAD exomes 0.00008; gnomAD 0.00006 and 0.00005; TOPMed 0.00001; ExAC 0.00004.
gnomAD v4.1: 51 of 1,614,126 alleles (0.0032%); highest among the groups gnomAD compares: East Asian, 0.0089%; no homozygotes.

Submissions 1 to 10 of 16:

PreventionGenetics, part of Exact Sciences
Classification: Pathogenic for ATP7B-related condition. Last evaluated: 2026-01-22. Review status: criteria provided, single submitter. Criteria: ACMG Guidelines, 2015. Collection method: clinical testing. Allele origin: germline.
Comment: The ATP7B c.3646G>A variant is predicted to result in the amino acid substitution p.Val1216Met. This variant has been reported in the homozygous state or with a second pathogenic ATP7B variant in many individuals with Wilson disease (for example, see patient H.B. in Table 1 in Haas et al. 1999. PubMed ID: 10447265; Sipilä et al. 2020. PubMed ID: 32618023; Wijayasiri et al. 2021. PubMed ID: 34381985; Table S4 in Zhang et al. 2022. PubMed ID: 35220961). This variant is reported in 0.072% of alleles in individuals of European (Finnish) descent in gnomAD and is interpreted as likely pathogenic or pathogenic in ClinVar by several outside laboratories (Variation ID: 188859). Based on the collective evidence, this variant is interpreted as pathogenic.

Labcorp Genetics (formerly Invitae), Labcorp
Classification: Pathogenic for Wilson disease. Last evaluated: 2025-12-08. Review status: criteria provided, single submitter. Criteria: Invitae Variant Classification Sherloc (09022015). Collection method: clinical testing. Allele origin: germline.
Comment: This sequence change replaces valine, which is neutral and non-polar, with methionine, which is neutral and non-polar, at codon 1216 of the ATP7B protein (p.Val1216Met). This variant is present in population databases (rs776280797, gnomAD 0.07%). This missense change has been observed in individual(s) with Wilson disease (PMID: 10447265, 14966923, 15952988, 26253413). It has also been observed to segregate with disease in related individuals. ClinVar contains an entry for this variant (Variation ID: 188859). Invitae Evidence Modeling of protein sequence and biophysical properties (such as structural, functional, and spatial information, amino acid conservation, physicochemical variation, residue mobility, and thermodynamic stability) indicates that this missense variant is expected to disrupt ATP7B protein function with a positive predictive value of 80%. For these reasons, this variant has been classified as Pathogenic.

Natera, Inc.
Classification: Pathogenic for Wilson disease. Last evaluated: 2025-07-03. Review status: criteria provided, single submitter. Criteria: Natera Variant Classification Schema (03/2026). Collection method: clinical testing. Allele origin: germline.
Comment: The c.3646G>A variant in ATP7B is a missense variant predicted to cause substitution of valine to methionine at amino acid 1216. This variant is rare in the general population with a frequency below the threshold expected for the associated phenotype(s). This variant has been observed in one or more individuals affected with the associated recessive disease, as either homozygous or compound heterozygous with a second variant (PMID: 30884209, 27022412, 15952988, 14966923, 36966606, 35220961). Computational prediction algorithms indicate this variant is likely to affect gene or protein function. Given the available evidence, this variant is classified as Pathogenic.

All of Us Research Program, National Institutes of Health
Classification: Pathogenic for Wilson disease. Last evaluated: 2024-06-09. Review status: criteria provided, single submitter. Criteria: ACMG Guidelines, 2015. Collection method: clinical testing. Allele origin: germline. Inheritance: Autosomal recessive inheritance. Observed: 4 variant alleles, 4 heterozygotes.
Comment: This missense variant replaces valine with methionine at codon 1216 of the ATP7B protein. Computational prediction suggests that this variant may have deleterious impact on protein structure and function. This variant alters a conserved valine residue in the phosphorylation domain of the ATP7B protein (a.a. 1004 - 1031; a.a. 1197 - 1306), a highly conserved region that is considered to be important for ATP7B protein function (PMID: 35245129; ClinVar). To our knowledge, functional studies have not been reported for this variant. This variant has been reported in many individuals affected with Wilson disease (PMID: 9671269, 10447265, 11043508, 14966923, 15952988, 17587212, 17876883, 18034201, 21219664, 26253413, 26782526, 27022412). In some of these affected individuals, this variant has been confirmed to be homozygous or compound heterozygous with another pathogenic variant in the same gene, indicating that this variant contributes to Wilson disease in an autosomal recessive manner. In one family, this variant co-segregated with Wilson disease in two siblings who carried this variant in compound heterozygosity with p.Leu692Pro (PMID: 26253413). This variant has been identified in 24/280998 chromosomes in the general population by the Genome Aggregation Database (gnomAD). Based on the available evidence, this variant is classified as Pathogenic.

This study involves interpretation of variants in research participants for the purpose of population health screening. Participant phenotype was not available at the time of variant classification. Additional details can be found in publication PMID: 35346344, PMCID: PMC8962531

Color Diagnostics, LLC DBA Color Health
Classification: Pathogenic for Wilson disease. Last evaluated: 2024-05-08. Review status: criteria provided, single submitter. Criteria: ACMG Guidelines, 2015. Collection method: clinical testing. Allele origin: germline.
Comment: This missense variant replaces valine with methionine at codon 1216 of the ATP7B protein. Computational prediction suggests that this variant may have deleterious impact on protein structure and function. This variant alters a conserved valine residue in the phosphorylation domain of the ATP7B protein (a.a. 1004 - 1031a.a. 1197 - 1306), a highly conserved region that is considered to be important for ATP7B protein function (PMID: 35245129ClinVar). To our knowledge, functional studies have not been reported for this variant. This variant has been reported in many individuals affected with Wilson disease (PMID: 9671269, 10447265, 11043508, 14966923, 15952988, 17587212, 17876883, 18034201, 21219664, 26253413, 26782526, 27022412). In some of these affected individuals, this variant has been confirmed to be homozygous or compound heterozygous with another pathogenic variant in the same gene, indicating that this variant contributes to Wilson disease in an autosomal recessive manner. In one family, this variant co-segregated with Wilson disease in two siblings who carried this variant in compound heterozygosity with p.Leu692Pro (PMID: 26253413). This variant has been identified in 24/280998 chromosomes in the general population by the Genome Aggregation Database (gnomAD). Based on the available evidence, this variant is classified as Pathogenic.

Baylor Genetics
Classification: Pathogenic for Wilson disease. Last evaluated: 2024-02-01. Review status: criteria provided, single submitter. Criteria: ACMG Guidelines, 2015. Collection method: clinical testing. Allele origin: unknown.

Blueprint Genetics
Classification: Pathogenic for ATP7B-related disorders. Last evaluated: 2023-11-17. Review status: criteria provided, single submitter. Criteria: ACMG Guidelines, 2015. Collection method: clinical testing. Allele origin: germline. Affected: yes. Observed: 5 variant alleles.

GeneDx
Classification: Likely pathogenic. Last evaluated: 2023-03-23. Review status: criteria provided, single submitter. Criteria: GeneDx Variant Classification Process June 2021. Collection method: clinical testing. Allele origin: germline. Affected: yes.
Comment: In silico analysis supports that this missense variant has a deleterious effect on protein structure/function; This variant is associated with the following publications: (PMID: 18034201, 21219664, 31589614, 29637721, 18371106, 22692182, 30655162, 27022412, 34240825, 21645214, 17876883, 17587212, 20931554, 11043508, 8298641, 35220961, 26782526, 32618023, 9671269, 31708252, 30275481, 34324271, 35470480, 10447265, 14966923, 31172689, 26253413, 22677543, 30884209, 34620762, 27982432, 15952988)

Women's Health and Genetics/Laboratory Corporation of America, LabCorp
Classification: Pathogenic for Wilson disease. Last evaluated: 2022-11-17. Review status: criteria provided, single submitter. Criteria: LabCorp Variant Classification Summary - May 2015. Collection method: clinical testing. Allele origin: germline.
Comment: Variant summary: ATP7B c.3646G>A (p.Val1216Met) results in a conservative amino acid change located in the ATP-binding domain (Yuan_2015, Dong_2016) of the encoded protein sequence. Four of five in-silico tools predict a damaging effect of the variant on protein function. The variant allele was found at a frequency of 8.4e-05 in 249592 control chromosomes (gnomAD). This frequency is not significantly higher than expected for a pathogenic variant in ATP7B causing Wilson Disease (8.4e-05 vs 0.0054), allowing no conclusion about variant significance. c.3646G>A has been reported in the literature as a biallelic genotype and as an uninformative genotype (second allele not reported/specified) in multiple individuals affected with Wilson Disease (e.g. Loudianos_1998, Haas_1999, Lee_2000, Margarit_2005, Park_2007, Yuan_2015, Balashova_2020) . These data indicate that the variant is very likely to be associated with disease. To our knowledge, no experimental evidence demonstrating an impact on protein function has been reported. Five submitters have provided clinical-significance assessments for this variant to ClinVar after 2014. All laboratories classified the variant as either pathogenic (n=1) or likely pathogenic (n=4). Based on the evidence outlined above, the variant was classified as pathogenic.

Genome-Nilou Lab
Classification: Likely pathogenic for Wilson disease. Last evaluated: 2021-08-10. Review status: criteria provided, single submitter. Criteria: ACMG Guidelines, 2015. Collection method: clinical testing. Allele origin: germline. Affected: no.

NM_000053.4(ATP7B):c.3646G>A (p.Val1216Met)

Gene: ATP7B (ATPase copper transporting beta; minus strand). Cytogenetic location: 13q14.3.
Variant type: single nucleotide variant.
Coding change: c.3646G>A on transcript NM_000053.4 (MANE Select); coding-DNA position 3646, G replaced by A.
Protein change: p.Val1216Met; replaces valine 1216 with methionine.
Molecular consequence: missense variant.
Genome position (GRCh38, 1-based): chr13:51,939,104, C>T on the plus strand (G>A on the coding strand, the complement: ATP7B is on the minus strand). VCF-style: chr13-51939104-C-T. GRCh37 (hg19) VCF-style: chr13-52513240-C-T.
Other names: c.3025G>A, p.Val1009Met (NM_001005918.3); c.3313G>A, p.Val1105Met (NM_001243182.2); c.3412G>A, p.Val1138Met (NM_001330578.2); c.3394G>A, p.Val1132Met (NM_001330579.2); short protein forms V1216M, V1105M, V1132M, V1138M, V1009M.
Identifiers: ClinVar variation 188859 (VCV000188859.37), dbSNP rs776280797, ClinGen allele CA274052.